The following is an entry in ClinVar:

ClinVar aggregate classification (germline): Uncertain significance (1 of 4 stars; one submission).

Allele frequency attached by ClinVar (database versions not stated): gnomAD exomes 0.00001.
gnomAD v4.1: 9 of 1,603,194 alleles (0.00056%); highest among the groups gnomAD compares: African/African-American, 0.0013%; no homozygotes.

Submission:

Labcorp Genetics (formerly Invitae), Labcorp
Classification: Uncertain significance. Last evaluated: 2022-10-24. Review status: criteria provided, single submitter. Criteria: Invitae Variant Classification Sherloc (09022015). Collection method: clinical testing. Allele origin: germline.
Comment: This variant is not present in population databases (gnomAD no frequency). In summary, the available evidence is currently insufficient to determine the role of this variant in disease. Therefore, it has been classified as a Variant of Uncertain Significance. Algorithms developed to predict the effect of sequence changes on RNA splicing suggest that this variant may create or strengthen a splice site. ClinVar contains an entry for this variant (Variation ID: 1421083). This variant has not been reported in the literature in individuals affected with DHX38-related conditions. This sequence change falls in intron 19 of the DHX38 gene. It does not directly change the encoded amino acid sequence of the DHX38 protein.

NM_014003.4(DHX38):c.2601-5G>A

Gene: DHX38 (DEAH-box helicase 38; plus strand). Cytogenetic location: 16q22.2.
Variant type: single nucleotide variant.
Coding change: c.2601-5G>A on transcript NM_014003.4 (MANE Select); 5 bases into the intron before coding-DNA position 2601, G replaced by A.
Molecular consequence: intron variant.
Genome position (GRCh38, 1-based): chr16:72,107,335, G>A. VCF-style: chr16-72107335-G-A. GRCh37 (hg19) VCF-style: chr16-72141234-G-A.
Identifiers: ClinVar variation 1421083 (VCV001421083.4), dbSNP rs1567610282, ClinGen allele CA2231576502.